The following is an entry in ClinVar:

ClinVar aggregate classification (germline): Uncertain significance (1 of 4 stars; one submission).

Conditions:
Hereditary cancer-predisposing syndrome. Also called: Neoplastic Syndromes, Hereditary; Tumor predisposition; Hereditary neoplastic syndrome; Hereditary Cancer Syndrome. Identifiers: Orphanet 140162, MedGen C0027672, MeSH D009386, MONDO:0015356.

gnomAD v4.1: 1 of 1,614,052 alleles (0.000062%); no homozygotes.

Submission:

Ambry Genetics
Classification: Uncertain significance for Hereditary cancer-predisposing syndrome. Last evaluated: 2026-07-09. Review status: criteria provided, single submitter. Criteria: Ambry Variant Classification Scheme 2023. Collection method: clinical testing. Allele origin: germline.
Comment: The p.D1948A variant (also known as c.5843A>C), located in coding exon 15 of the APC gene, results from an A to C substitution at nucleotide position 5843. The aspartic acid at codon 1948 is replaced by alanine, an amino acid with dissimilar properties. This amino acid position is conserved. In addition, in silico predictors for this gene do not accurately predict pathogenicity. Based on the available evidence, the clinical significance of this variant remains unclear.

NM_000038.6(APC):c.5843A>C (p.Asp1948Ala)

Gene: APC (APC regulator of Wnt signaling pathway; plus strand). Cytogenetic location: 5q22.2.
Variant type: single nucleotide variant.
Coding change: c.5843A>C on transcript NM_000038.6 (MANE Select); coding-DNA position 5843, A replaced by C.
Protein change: p.Asp1948Ala; replaces aspartic acid 1948 with alanine.
Molecular consequence: missense variant. On other transcripts: non-coding transcript variant (2).
Genome position (GRCh38, 1-based): chr5:112,841,437, A>C. VCF-style: chr5-112841437-A-C. GRCh37 (hg19) VCF-style: chr5-112177134-A-C.
Other names: c.5843A>C, p.Asp1948Ala (NM_001127510.3, NM_001354895.2, NM_001407450.1); c.5789A>C, p.Asp1930Ala (NM_001127511.3); c.5897A>C, p.Asp1966Ala (NM_001354896.2, NM_001407447.1, NM_001407448.1 and 1 more transcripts); c.5873A>C, p.Asp1958Ala (NM_001354897.2); c.5768A>C, p.Asp1923Ala (NM_001354898.2); c.5759A>C, p.Asp1920Ala (NM_001354899.2); c.5720A>C, p.Asp1907Ala (NM_001354900.2); c.5666A>C, p.Asp1889Ala (NM_001354901.2, NM_001407453.1); and 11 more; short protein forms D1788A, D1822A, D1948A, D1966A, D1976A, D1665A, D1819A, D1865A.
Identifiers: ClinVar variation 5025335 (VCV005025335.1).
Genomic context (GRCh38, chr5:112,841,437, plus strand): 5'-AGAAACAATCCACTTTTCCCCAGTCATCCAAAGACATACCAGACAGAGGGGCAGCAACTG[A>C]TGAAAAGTTACAGAATTTTGCTATTGAAAATACTCCGGTTTGCTTTTCTCATAATTCCTC-3'
Protein context (NP_000029.2, residues 1938-1958): KDIPDRGAAT[Asp1948Ala]EKLQNFAIEN